The following is an entry in ClinVar:

ClinVar aggregate classification (germline): Uncertain significance (1 of 4 stars; one submission).

Submission:

GeneDx
Classification: Uncertain significance. Last evaluated: 2024-08-26. Review status: criteria provided, single submitter. Criteria: GeneDx Variant Classification Process June 2021. Collection method: clinical testing. Allele origin: germline. Affected: yes.
Comment: In-frame deletion of 23 amino acids in a non-repeat region; In silico analysis supports a deleterious effect on protein structure/function; Has not been previously published as pathogenic or benign to our knowledge

NM_021224.6(ZNF462):c.1634_1702del (p.Pro545_Gln567del)

Gene: ZNF462 (zinc finger protein 462; plus strand). Cytogenetic location: 9q31.2.
Variant type: Deletion.
Coding change: c.1634_1702del on transcript NM_021224.6 (MANE Select); coding-DNA positions 1634 to 1702, 69 bases deleted.
Protein change: p.Pro545_Gln567del.
Genome position (GRCh38, 1-based): chr9:106,925,546-106,925,614, 69 bases deleted. GRCh37 (hg19): chr9:109,687,827-109,687,895.
Other names: c.1634_1702del, p.Pro545_Gln567del (NM_001347997.2).
Identifiers: ClinVar variation 3766324 (VCV003766324.1).